The following is an entry in ClinVar:

NM_019109.5(ALG1):c.1331C>T (p.Ser444Leu)

Genes: EEF2KMT (eukaryotic elongation factor 2 lysine methyltransferase; minus strand), ALG1 (ALG1 chitobiosyldiphosphodolichol beta-mannosyltransferase; plus strand). Cytogenetic location: 16p13.3.
Variant type: single nucleotide variant.
Coding change: c.1331C>T on transcript NM_019109.5 (MANE Select); coding-DNA position 1331, C replaced by T.
Protein change: p.Ser444Leu; replaces serine 444 with leucine.
Molecular consequence: missense variant. On other transcripts: 3 prime UTR variant (3).
Genome position (GRCh38, 1-based): chr16:5,084,817, C>T. VCF-style: chr16-5084817-C-T. GRCh37 (hg19) VCF-style: chr16-5134818-C-T.
Other names: c.*815G>A (NM_001289029.2, NM_201400.4, NM_201598.4); c.998C>T, p.Ser333Leu (NM_001330504.2); short protein forms S444L, S333L.
Identifiers: ClinVar variation 1440202 (VCV001440202.4), dbSNP rs397839861, ClinGen allele CA7890339.

ClinVar aggregate classification (germline): Uncertain significance. Review status: criteria provided, multiple submitters, no conflicts (2 of 4 stars). 2 submissions from 2 submitters: Uncertain significance (2). Last evaluated 2024-05-07.

Conditions:
ALG1-congenital disorder of glycosylation. Also called: CONGENITAL DISORDER OF GLYCOSYLATION, TYPE Ik; CDG Ik; ALG1-CDG. Identifiers: Orphanet 79327, MedGen C2931005, MONDO:0012052, OMIM 608540.

Allele frequency attached by ClinVar (database versions not stated): TOPMed 0.00002; gnomAD 0.00003 and 0.00004; ExAC 0.00004; gnomAD exomes 0.00005.
gnomAD v4.1: 54 of 1,596,326 alleles (0.0034%); highest among the groups gnomAD compares: Admixed American, 0.0033%; no homozygotes.

Submissions (2):

Fulgent Genetics
Classification: Uncertain significance for ALG1-congenital disorder of glycosylation. Last evaluated: 2024-05-07. Review status: criteria provided, single submitter. Criteria: ACMG Guidelines, 2015. Collection method: clinical testing. Allele origin: germline.

Labcorp Genetics (formerly Invitae), Labcorp
Classification: Uncertain significance for ALG1-congenital disorder of glycosylation. Last evaluated: 2022-08-16. Review status: criteria provided, single submitter. Criteria: Invitae Variant Classification Sherloc (09022015). Collection method: clinical testing. Allele origin: germline.
Comment: This sequence change replaces serine, which is neutral and polar, with leucine, which is neutral and non-polar, at codon 444 of the ALG1 protein (p.Ser444Leu). The frequency data for this variant in the population databases is considered unreliable, as metrics indicate poor data quality at this position in the gnomAD database. This variant has not been reported in the literature in individuals affected with ALG1-related conditions. ClinVar contains an entry for this variant (Variation ID: 1440202). Algorithms developed to predict the effect of missense changes on protein structure and function (SIFT, PolyPhen-2, Align-GVGD) all suggest that this variant is likely to be tolerated. In summary, the available evidence is currently insufficient to determine the role of this variant in disease. Therefore, it has been classified as a Variant of Uncertain Significance.